The following is an entry in ClinVar:

ClinVar aggregate classification (germline): Likely pathogenic. Review status: criteria provided, multiple submitters, no conflicts (2 of 4 stars). 2 submissions from 2 submitters: Likely pathogenic (2). Last evaluated 2025-03-10.

Conditions:
Cardiovascular phenotype. Identifiers: MedGen CN230736.
Amyloidosis, hereditary systemic 1 (AMYLD1). Also called: Hereditary oculoleptomeningeal amyloid angiopathy; Familial Transthyretin Amyloidosis; AMYLOID CARDIOMYOPATHY; Familial amyloid polyneuropathy; Transthyretin Amyloidosis; Hereditary Transthyretin Amyloidosis. Identifiers: Orphanet 85447, Orphanet 85451, MedGen C2751492, MONDO:0971004, OMIM 105210.

Submissions (2):

Labcorp Genetics (formerly Invitae), Labcorp
Classification: Likely pathogenic for Amyloidosis, hereditary systemic 1. Last evaluated: 2025-03-10. Review status: criteria provided, single submitter. Criteria: Invitae Variant Classification Sherloc (09022015). Collection method: clinical testing. Allele origin: germline.
Comment: This sequence change replaces glutamic acid with glycine at codon 81 of the TTR protein (p.Glu81Gly). The glutamic acid residue is weakly conserved and there is a moderate physicochemical difference between glutamic acid and glycine. This variant is not present in population databases (gnomAD no frequency). This missense change has been observed in individual(s) with familial transthyretin amyloidosis (PMID: 17453626). This variant is also known as p.Glu61Lys. ClinVar contains an entry for this variant (Variation ID: 572472). Invitae Evidence Modeling of protein sequence and biophysical properties (such as structural, functional, and spatial information, amino acid conservation, physicochemical variation, residue mobility, and thermodynamic stability) indicates that this missense variant is expected to disrupt TTR protein function with a positive predictive value of 95%. This variant disrupts the p.Glu81 amino acid residue in TTR. Other variant(s) that disrupt this residue have been determined to be pathogenic (PMID: 17143887, 29801893; 20536403. 28991715). This suggests that this residue is clinically significant, and that variants that disrupt this residue are likely to be disease-causing. In summary, the currently available evidence indicates that the variant is pathogenic, but additional data are needed to prove that conclusively. Therefore, this variant has been classified as Likely Pathogenic.

Ambry Genetics
Classification: Likely pathogenic for Cardiovascular phenotype. Last evaluated: 2021-06-07. Review status: criteria provided, single submitter. Criteria: Ambry Variant Classification Scheme 2023. Collection method: clinical testing. Allele origin: germline.
Comment: The p.E81G variant (also known as c.242A>G), located in coding exon 3 of the TTR gene, results from an A to G substitution at nucleotide position 242. The glutamic acid at codon 81 is replaced by glycine, an amino acid with similar properties. This variant (also referred to as Glu61Gly) has been detected in a patient with transthyretin amyloidosis (Rosenzweig M et al. Amyloid, 2007 Mar;14:65-71) and in an additional amyloidosis cohort (Dasari S et al. Mayo Clin Proc. 2020 09;95(9):1852-1864). Another variant affecting this codon (p.E81K, c.241G>A and referred to as Glu61Lys) has also been reported in association with transthyretin amyloidosis (Noto Y et al. Amyloid, 2009;16:99-102; Murakami T et al. J. Neurol. Sci. 2017;381:55-58). This variant is considered to be rare based on population cohorts in the Genome Aggregation Database (gnomAD). This amino acid position is poorly conserved in available vertebrate species. In addition, this alteration is predicted to be deleterious by in silico analysis. Based on the majority of available evidence to date, this variant is likely to be pathogenic.

Literature cited by the submitters: PubMed 17453626 (cited by Labcorp Genetics (formerly Invitae), Labcorp and Ambry Genetics); PubMed 17143887 (cited by Labcorp Genetics (formerly Invitae), Labcorp); PubMed 29801893 (cited by Labcorp Genetics (formerly Invitae), Labcorp); PubMed 20536403 (cited by Labcorp Genetics (formerly Invitae), Labcorp and Ambry Genetics); PubMed 28991715 (cited by Labcorp Genetics (formerly Invitae), Labcorp and Ambry Genetics); PubMed 10842720 (cited by Ambry Genetics); PubMed 32861330 (cited by Ambry Genetics).

NM_000371.4(TTR):c.242A>G (p.Glu81Gly)

Gene: TTR (transthyretin; plus strand). Cytogenetic location: 18q12.1.
Variant type: single nucleotide variant.
Coding change: c.242A>G on transcript NM_000371.4 (MANE Select); coding-DNA position 242, A replaced by G.
Protein change: p.Glu81Gly; replaces glutamic acid 81 with glycine.
Molecular consequence: missense variant.
Genome position (GRCh38, 1-based): chr18:31,595,161, A>G. VCF-style: chr18-31595161-A-G. GRCh37 (hg19) VCF-style: chr18-29175124-A-G.
Other names: short protein forms E81G.
Identifiers: ClinVar variation 572472 (VCV000572472.8), dbSNP rs1567946170, ClinGen allele CA402156964.